The following is an entry in ClinVar:

ClinVar aggregate classification (germline): Benign. Review status: criteria provided, multiple submitters, no conflicts (2 of 4 stars). 2 submissions from 2 submitters: Benign (2). Last evaluated 2018-07-03.

Conditions:
Ehlers-Danlos syndrome, classic type, 2 (EDSCL2). Also called: Ehlers-Danlos syndrome type 2 (formerly); Ehlers-Danlos Syndrome, Classic Type, COL5A2-Related; Ehlers-Danlos syndrome, type 2. Identifiers: Orphanet 287, Orphanet 90318, MedGen C0268336, MONDO:0019568, OMIM 130010.

Allele frequency attached by ClinVar (database versions not stated): 1000 Genomes Project 30x 0.78295; 1000 Genomes Project 0.78854; TOPMed 0.83934; gnomAD 0.86911.
gnomAD v4.1: 130,810 of 152,202 alleles (86%); highest among the groups gnomAD compares: Non-Finnish European, 95%; 57,230 homozygotes.

Submissions (2):

ARUP Laboratories, Molecular Genetics and Genomics, ARUP Laboratories
Classification: Benign for Ehlers-Danlos syndrome, classic type, 2. Last evaluated: 2018-07-03. Review status: criteria provided, single submitter. Criteria: ARUP Molecular Germline Variant Investigation Process. Collection method: clinical testing. Allele origin: germline.

GeneDx
Classification: Benign. Last evaluated: 2018-06-14. Review status: criteria provided, single submitter. Criteria: GeneDx Variant Classification (06012015). Collection method: clinical testing. Allele origin: germline. Affected: yes.
Comment: This variant is considered likely benign or benign based on one or more of the following criteria: it is a conservative change, it occurs at a poorly conserved position in the protein, it is predicted to be benign by multiple in silico algorithms, and/or has population frequency not consistent with disease.

NM_000393.5(COL5A2):c.322+157C>T

Gene: COL5A2 (collagen type V alpha 2 chain; minus strand). Cytogenetic location: 2q32.2.
Variant type: single nucleotide variant.
Coding change: c.322+157C>T on transcript NM_000393.5 (MANE Select); 157 bases into the intron after coding-DNA position 322, C replaced by T.
Molecular consequence: intron variant.
Genome position (GRCh38, 1-based): chr2:189,110,068, G>A on the plus strand (C>T on the coding strand, the complement: COL5A2 is on the minus strand). VCF-style: chr2-189110068-G-A. GRCh37 (hg19) VCF-style: chr2-189974794-G-A.
Identifiers: ClinVar variation 439540 (VCV000439540.10), dbSNP rs4128538, ClinGen allele CA62585259.